The following is an entry in ClinVar:

NM_015072.5(TTLL5):c.3760C>T (p.Gln1254Ter)

Gene: TTLL5 (tubulin tyrosine ligase like 5; plus strand). Cytogenetic location: 14q24.3.
Variant type: single nucleotide variant.
Coding change: c.3760C>T on transcript NM_015072.5 (MANE Select); coding-DNA position 3760, C replaced by T.
Protein change: p.Gln1254Ter; replaces glutamine 1254 with a stop codon.
Molecular consequence: nonsense.
Genome position (GRCh38, 1-based): chr14:75,902,161, C>T. VCF-style: chr14-75902161-C-T. GRCh37 (hg19) VCF-style: chr14-76368504-C-T.
Other names: short protein forms Q1254*.
Identifiers: ClinVar variation 1377263 (VCV001377263.6), dbSNP rs140018292, ClinGen allele CA7280160.

ClinVar aggregate classification (germline): Pathogenic (1 of 4 stars; one submission).

Allele frequency attached by ClinVar (database versions not stated): gnomAD 0.00001; gnomAD exomes 0.00002 and 0.00001; TOPMed 0.00002; ESP Exome Variant Server 0.00008; ExAC 0.00002.
gnomAD v4.1: 16 of 1,614,008 alleles (0.00099%); highest among the groups gnomAD compares: South Asian, 0.0022%; no homozygotes.

Submission:

Labcorp Genetics (formerly Invitae), Labcorp
Classification: Pathogenic. Last evaluated: 2025-05-16. Review status: criteria provided, single submitter. Criteria: Invitae Variant Classification Sherloc (09022015). Collection method: clinical testing. Allele origin: germline.
Comment: This sequence change creates a premature translational stop signal (p.Gln1254*) in the TTLL5 gene. It is expected to result in an absent or disrupted protein product. Loss-of-function variants in TTLL5 are known to be pathogenic (PMID: 24791901, 27162334). This variant is present in population databases (rs140018292, gnomAD 0.02%). This variant has not been reported in the literature in individuals affected with TTLL5-related conditions. ClinVar contains an entry for this variant (Variation ID: 1377263). For these reasons, this variant has been classified as Pathogenic.

Literature cited by the submitters: PubMed 24791901; PubMed 27162334.